The following is an entry in ClinVar:

ClinVar aggregate classification (germline): Uncertain significance. Review status: criteria provided, multiple submitters, no conflicts (2 of 4 stars). 2 submissions from 2 submitters: Uncertain significance (2). Last evaluated 2021-08-27.

Conditions:
Cardiovascular phenotype. Identifiers: MedGen CN230736.
Naxos disease (NXD). Also called: PALMOPLANTAR KERATODERMA WITH ARRHYTHMOGENIC RIGHT VENTRICULAR CARDIOMYOPATHY AND WOOLLY HAIR; CARDIOMYOPATHY, ARRHYTHMOGENIC RIGHT VENTRICULAR, WITH SKIN, HAIR, AND NAIL ABNORMALITIES; KERATOSIS PALMOPLANTARIS WITH ARRHYTHMOGENIC CARDIOMYOPATHY; MAL DE NAXOS; WOOLLY HAIR, PALMOPLANTAR KERATODERMA, AND CARDIAC ABNORMALITIES. Identifiers: Orphanet 34217, MedGen C1832600, MONDO:0011017, OMIM 601214.
Arrhythmogenic right ventricular dysplasia 12. Also called: ARRHYTHMOGENIC RIGHT VENTRICULAR DYSPLASIA, FAMILIAL, 12. Identifiers: MedGen C1969081, MONDO:0012684, OMIM 611528.

Allele frequency attached by ClinVar (database versions not stated): gnomAD exomes below 0.00001; gnomAD 0.00002; TOPMed 0.00002.
gnomAD v4.1: 4 of 1,607,782 alleles (0.00025%); highest among the groups gnomAD compares: Non-Finnish European, 0.00034%; no homozygotes.

Submissions (2):

Labcorp Genetics (formerly Invitae), Labcorp
Classification: Uncertain significance for Arrhythmogenic right ventricular dysplasia 12; Naxos disease. Last evaluated: 2021-08-27. Review status: criteria provided, single submitter. Criteria: Invitae Variant Classification Sherloc (09022015). Collection method: clinical testing. Allele origin: germline.
Comment: This sequence change replaces isoleucine with valine at codon 505 of the JUP protein (p.Ile505Val). The isoleucine residue is moderately conserved and there is a small physicochemical difference between isoleucine and valine. This variant is not present in population databases (ExAC no frequency). This variant has not been reported in the literature in individuals affected with JUP-related conditions. ClinVar contains an entry for this variant (Variation ID: 518466). Algorithms developed to predict the effect of missense changes on protein structure and function output the following: SIFT: "Tolerated"; PolyPhen-2: "Benign"; Align-GVGD: "Class C0". The valine amino acid residue is found in multiple mammalian species, which suggests that this missense change does not adversely affect protein function. Algorithms developed to predict the effect of sequence changes on RNA splicing suggest that this variant may create or strengthen a splice site. In summary, the available evidence is currently insufficient to determine the role of this variant in disease. Therefore, it has been classified as a Variant of Uncertain Significance.

Ambry Genetics
Classification: Uncertain significance for Cardiovascular phenotype. Last evaluated: 2016-06-10. Review status: criteria provided, single submitter. Criteria: Ambry Variant Classification Scheme 2023. Collection method: clinical testing. Allele origin: germline.
Comment: The p.I505V variant (also known as c.1513A>G), located in coding exon 8 of the JUP gene, results from an A to G substitution at nucleotide position 1513. The isoleucine at codon 505 is replaced by valine, an amino acid with highly similar properties. This variant was not reported in population based cohorts in the following databases: Database of Single Nucleotide Polymorphisms (dbSNP), NHLBI Exome Sequencing Project (ESP), and 1000 Genomes Project. In the ESP, this variant was not observed in 6503 samples (13006 alleles) with coverage at this position. This amino acid position is well conserved in available vertebrate species; however, valine is the reference amino acid in other vertebrate species. In addition, this alteration is predicted to be tolerated by in silico analysis. Since supporting evidence is limited at this time, the clinical significance of this variant remains unclear.

NM_002230.4(JUP):c.1513A>G (p.Ile505Val)

Gene: JUP (junction plakoglobin; minus strand). Cytogenetic location: 17q21.2.
Variant type: single nucleotide variant.
Coding change: c.1513A>G on transcript NM_002230.4 (MANE Select); coding-DNA position 1513, A replaced by G.
Protein change: p.Ile505Val; replaces isoleucine 505 with valine.
Molecular consequence: missense variant.
Genome position (GRCh38, 1-based): chr17:41,758,855, T>C on the plus strand (A>G on the coding strand, the complement: JUP is on the minus strand). VCF-style: chr17-41758855-T-C. GRCh37 (hg19) VCF-style: chr17-39915107-T-C.
Other names: c.1513A>G, p.Ile505Val (NM_001352773.2, NM_001352774.2, NM_001352775.2 and 3 more transcripts); short protein forms I505V.
Identifiers: ClinVar variation 518466 (VCV000518466.8), dbSNP rs955019712, ClinGen allele CA290696301.